The following is an entry in ClinVar:

ClinVar aggregate classification (germline): Pathogenic/Likely pathogenic. Review status: criteria provided, multiple submitters, no conflicts (2 of 4 stars). 14 submissions from 14 submitters: Pathogenic (11); Likely pathogenic (1). 2 of the submissions do not count toward it. Last evaluated 2026-06-23.

Conditions:
FGFR3-related disorder. Also called: FGFR3-related disorders.
Inborn genetic diseases. Identifiers: MedGen C0950123, MeSH D030342.
Hypochondroplasia (HCH). Identifiers: Orphanet 429, MedGen C0410529, MONDO:0007793, OMIM 146000. Disease mechanism: gain of function.
Neurodevelopmental delay. Identifiers: MedGen C4022738, HP:0012758.
Achondroplasia (ACH). Also called: Achondroplastic dwarfism. Identifiers: Orphanet 15, MedGen C0001080, MONDO:0007037, OMIM 100800. Disease mechanism: gain of function.
FGFR3-related chondrodysplasia. Identifiers: Orphanet 93420, MedGen C5681604, MONDO:0019685.

Allele frequency attached by ClinVar (database versions not stated): gnomAD exomes below 0.00001; ExAC 0.00001; TOPMed 0.00001; gnomAD 0.00002.
gnomAD v4.1: 22 of 1,613,096 alleles (0.0014%); highest among the groups gnomAD compares: African/African-American, 0.0027%; no homozygotes.

Submissions (14):

Genomenon, Inc
Classification: Pathogenic for FGFR3-related chondrodysplasia. Last evaluated: 2026-06-23. Review status: criteria provided, single submitter. Criteria: Genomenon Sequence Variant Interpretation Standards - Updated. Collection method: curation. Allele origin: germline. Affected: yes.
Comment: FGFR3 p.Asn540Ser (c.1619A>G) is a missense variant that changes the amino acid at codon 540 from Asparagine to Serine. This variant has been observed in at least one proband with hypochondroplasia (PMID:37814549;21594994;15863466;10777366;12707965). The variant was found to segregate with disease in at least one affected family (PMID:15863466;10777366;12707965). At least one functional study has demonstrated a substantial alteration in protein function relative to the wild-type (PMID:26992226). This variant is located in a mutational hotspot and/or important functional domain. It is absent or not present at a significant frequency in gnomAD. In silico models predict that this variant is possibly or probably damaging. In conclusion, we classify FGFR3 p.Asn540Ser (c.1619A>G) as a pathogenic variant.

Labcorp Genetics (formerly Invitae), Labcorp
Classification: Pathogenic. Last evaluated: 2025-05-16. Review status: criteria provided, single submitter. Criteria: Invitae Variant Classification Sherloc (09022015). Collection method: clinical testing. Allele origin: germline.
Comment: This sequence change replaces asparagine, which is neutral and polar, with serine, which is neutral and polar, at codon 540 of the FGFR3 protein (p.Asn540Ser). This variant is present in population databases (rs77722678, gnomAD no frequency). This missense change has been observed in individuals with FGFR3-related disorders (PMID: 10777366, 12707965, 23045425). It has also been observed to segregate with disease in related individuals. ClinVar contains an entry for this variant (Variation ID: 16349). Invitae Evidence Modeling of protein sequence and biophysical properties (such as structural, functional, and spatial information, amino acid conservation, physicochemical variation, residue mobility, and thermodynamic stability) has been performed for this missense variant. However, the output from this modeling did not meet the statistical confidence thresholds required to predict the impact of this variant on FGFR3 protein function. This variant disrupts the p.Asn540 amino acid residue in FGFR3. Other variant(s) that disrupt this residue have been determined to be pathogenic (PMID: 11055896, 23165795, 25614871). This suggests that this residue is clinically significant, and that variants that disrupt this residue are likely to be disease-causing. For these reasons, this variant has been classified as Pathogenic.

Clinical Biomedical Laboratory, Shriners Hospital For Children - Canada
Classification: Pathogenic for Hypochondroplasia. Last evaluated: 2025-05-08. Review status: criteria provided, single submitter. Criteria: ACMG Guidelines, 2015. Collection method: clinical testing. Allele origin: germline. Affected: yes.
Comment: This variant is predicted to substitute an asparagine residue by a serine residue. This variant is rare in the general population (Genome Aggregation Database v2.1.1). This variant has been reported multiple times in the literature as a cause of hypochondroplasia (PMID 10777366, 25614871).Based on the ACMG variant interpretation guidelines, the available evidence supports classification of this variant as pathogenic.

Ambry Genetics
Classification: Likely pathogenic for Inborn genetic diseases. Last evaluated: 2024-07-22. Review status: criteria provided, single submitter. Criteria: Ambry Variant Classification Scheme 2023. Collection method: clinical testing. Allele origin: germline.
Comment: The c.1619A>G (p.N540S) alteration is located in exon 12 (coding exon 11) of the FGFR3 gene. This alteration results from a A to G substitution at nucleotide position 1619, causing the asparagine (N) at amino acid position 540 to be replaced by a serine (S). for FGFR3-related skeletal disorders; however, its clinical significance for CATSHL syndrome is uncertain. Based on data from gnomAD, the G allele has an overall frequency of <0.001% (1/250598) total alleles studied. The highest observed frequency was <0.001% (1/6112) of alleles. The p.N540S alteration has been seen in multiple probands with clinical features of hypochondroplasia and is present in similarly affected relatives in at least four families (Mortier, 2000; Thauvin-Robinet, 2003; De Sanctis, 2012; Fang, 2024; Doherty, 2007; Ambry internal data). This amino acid position is highly conserved in available vertebrate species. Based on internal structural analysis, p.N540S is slightly destabilizing to FGFR3 (Tyhonas, 2024). Functional analysis demonstrated that the p.N540S alteration results in a gain of function effect (Patani, 2016). The in silico prediction for this alteration is inconclusive. Based on the available evidence, this alteration is classified as likely pathogenic.

Clinical Genetics Laboratory, Skane University Hospital Lund
Classification: Pathogenic. Last evaluated: 2023-08-01. Review status: criteria provided, single submitter. Criteria: ACMG Guidelines, 2015. Collection method: clinical testing. Allele origin: germline. Affected: yes.

3billion
Classification: Pathogenic for Hypochondroplasia. Last evaluated: 2023-06-01. Review status: criteria provided, single submitter. Criteria: ACMG Guidelines, 2015. Collection method: clinical testing. Allele origin: germline. Affected: yes.
Comment: The variant is observed at an extremely low frequency in the gnomAD v2.1.1 dataset (total allele frequency: <0.001%). Predicted Consequence/Location: Missense changes are a common disease-causing mechanism. In silico tool predictions suggest damaging effect of the variant on gene or gene product (REVEL: 0.78; 3Cnet: 0.70). Same nucleotide change resulting in same amino acid change has been previously reported as pathogenic/likely pathogenic with strong evidence (ClinVar ID: VCV000016349 /PMID: 10777366 /3billion dataset). Different missense changes at the same codon (p.Asn540Asp, p.Asn540His, p.Asn540Lys, p.Asn540Thr) have been reported as pathogenic/likely pathogenic with strong evidence (ClinVar ID: VCV000016337, VCV000016338, VCV000016344, VCV000374828, VCV001325830 /PMID: 7670477, 8589686, 9452043 /3billion dataset). Therefore, this variant is classified as Pathogenic according to the recommendation of ACMG/AMP guideline.

Blueprint Genetics
Classification: Pathogenic for FGFR3-related disorders. Last evaluated: 2023-01-16. Review status: criteria provided, single submitter. Criteria: ACMG Guidelines, 2015. Collection method: clinical testing. Allele origin: germline. Affected: yes. Observed: 3 variant alleles.

Women's Health and Genetics/Laboratory Corporation of America, LabCorp
Classification: Pathogenic for Achondroplasia. Last evaluated: 2022-12-28. Review status: criteria provided, single submitter. Criteria: LabCorp Variant Classification Summary - May 2015. Collection method: clinical testing. Allele origin: germline.
Comment: Variant summary: FGFR3 c.1619A>G (p.Asn540Ser) results in a conservative amino acid change located in the Protein kinase domain (IPR000719) of the encoded protein sequence. Four of five in-silico tools predict a damaging effect of the variant on protein function. The variant allele was found at a frequency of 4e-06 in 250598 control chromosomes. c.1619A>G has been reported in the literature in multiple families affected with Hypochondroplasia and shown to segregate with disease (deSanctis_2012, Mortier_2000, Thauvin-Robinet_2003). These data indicate that the variant is very likely to be associated with disease. Other variants at this amino acid, N540K and N540T have also been reported to associate with Hypochondroplasia in the literature. At least one publication reports experimental evidence evaluating an impact on protein function (Patani_2016). These results showed a 10 fold increase in auto-phosphorylation and a 2 fold increase in substrate phosphorylation. Four clinical diagnostic laboratories have submitted clinical-significance assessments for this variant to ClinVar after 2014 and classified as VUS (n=1) and Pathogenic (n=3). Based on the evidence outlined above, the variant was classified as pathogenic.

GeneDx
Classification: Pathogenic. Last evaluated: 2022-06-14. Review status: criteria provided, single submitter. Criteria: GeneDx Variant Classification Process June 2021. Collection method: clinical testing. Allele origin: germline. Affected: yes.
Comment: Not observed at a significant frequency in large population cohorts (gnomAD); In silico analysis, which includes protein predictors and evolutionary conservation, supports a deleterious effect; This variant is associated with the following publications: (PMID: 29542187, 10777366, 23045425, 15909185, 12707965)

Clinical Genetics and Genomics, Karolinska University Hospital
Classification: Pathogenic. Last evaluated: 2018-03-28. Review status: criteria provided, single submitter. Criteria: ACMG Guidelines, 2015. Collection method: clinical testing. Allele origin: germline. Affected: yes. Observed: 1 variant allele.

Centre de Biologie Pathologie Génétique, Centre Hospitalier Universitaire de Lille
Classification: Pathogenic for Neurodevelopmental delay. Review status: criteria provided, single submitter. Criteria: ACMG Guidelines, 2015. Collection method: clinical testing. Allele origin: inherited. Affected: yes.

Suma Genomics
Classification: Pathogenic for Achondroplasia. Review status: criteria provided, single submitter. Criteria: ACMG Guidelines, 2015. Collection method: clinical testing. Allele origin: unknown. Inheritance: Autosomal dominant inheritance. Affected: yes.

Department of Pediatrics, Taizhou Central Hospital, Taizhou University Hospital
Classification: Pathogenic for Hypochondroplasia. Last evaluated: 2024-02-01. Review status: no assertion criteria provided. Collection method: clinical testing. Allele origin: paternal. Affected: yes. Observed: 1 variant allele. Not counted in ClinVar's aggregate classification.

OMIM
Classification: Pathogenic for HYPOCHONDROPLASIA. Last evaluated: 2003-05-15. Review status: no assertion criteria provided. Collection method: literature only. Allele origin: germline. Not counted in ClinVar's aggregate classification.

Literature cited by the submitters: PubMed 37682528 (cited by Genomenon, Inc); PubMed 26992226 (cited by 3 submitters); PubMed 37814549 (cited by Genomenon, Inc); PubMed 21594994 (cited by Genomenon, Inc); PubMed 15863466 (cited by Genomenon, Inc); PubMed 10777366 (cited by 7 submitters); PubMed 12707965 (cited by 5 submitters); PubMed 38933926 (cited by Genomenon, Inc and Ambry Genetics); PubMed 37269435 (cited by Genomenon, Inc); PubMed 30592603 (cited by Genomenon, Inc); PubMed 30048571 (cited by Genomenon, Inc); PubMed 29542187 (cited by Genomenon, Inc); PubMed 25728633 (cited by Genomenon, Inc); PubMed 16418051 (cited by Genomenon, Inc); PubMed 16912704 (cited by Genomenon, Inc); PubMed 24790322 (cited by Genomenon, Inc); PubMed 34582081 (cited by Genomenon, Inc); PubMed 32101380 (cited by Genomenon, Inc); PubMed 31888683 (cited by Genomenon, Inc); PubMed 30681580 (cited by Genomenon, Inc); PubMed 29736252 (cited by Genomenon, Inc); PubMed 26350084 (cited by Genomenon, Inc); PubMed 26770560 (cited by Genomenon, Inc); PubMed 12784193 (cited by Genomenon, Inc); PubMed 16411219 (cited by Genomenon, Inc); PubMed 16575888 (cited by Genomenon, Inc); PubMed 18000903 (cited by Genomenon, Inc); PubMed 19449430 (cited by Genomenon, Inc); PubMed 21910223 (cited by Genomenon, Inc); PubMed 22302603 (cited by Genomenon, Inc); PubMed 23726269 (cited by Genomenon, Inc); PubMed 24411048 (cited by Genomenon, Inc); PubMed 25777271 (cited by Genomenon, Inc); PubMed 17103447 (cited by Genomenon, Inc); PubMed 11055896 (cited by Genomenon, Inc and Labcorp Genetics (formerly Invitae), Labcorp); PubMed 16186508 (cited by Genomenon, Inc); PubMed 25614871 (cited by 4 submitters); PubMed 25505998 (cited by Genomenon, Inc); PubMed 23614116 (cited by Genomenon, Inc); PubMed 23045425 (cited by 3 submitters); PubMed 23165795 (cited by Labcorp Genetics (formerly Invitae), Labcorp); PubMed 10215410 (cited by Ambry Genetics); PubMed 18000976 (cited by Ambry Genetics); PubMed 23972473 (cited by Ambry Genetics); PubMed 26220993 (cited by Ambry Genetics); PubMed 38267212 (cited by Ambry Genetics); PubMed 7670477 (cited by 3billion).

NM_000142.5(FGFR3):c.1619A>G (p.Asn540Ser)

Gene: FGFR3 (fibroblast growth factor receptor 3; plus strand). Cytogenetic location: 4p16.3.
Variant type: single nucleotide variant.
Coding change: c.1619A>G on transcript NM_000142.5 (MANE Select); coding-DNA position 1619, A replaced by G.
Protein change: p.Asn540Ser; replaces asparagine 540 with serine.
Molecular consequence: missense variant. On other transcripts: non-coding transcript variant (1).
Genome position (GRCh38, 1-based): chr4:1,805,643, A>G. VCF-style: chr4-1805643-A-G. GRCh37 (hg19) VCF-style: chr4-1807370-A-G.
Other names: c.1625A>G, p.Asn542Ser (NM_001163213.2); c.1622A>G, p.Asn541Ser (NM_001354809.2, NM_001354810.2); c.1283A>G, p.Asn428Ser (NM_022965.4); short protein forms N540S, N542S, N541S, N428S.
Identifiers: ClinVar variation 16349 (VCV000016349.30), dbSNP rs77722678, ClinGen allele CA341420.